The following is an entry in ClinVar:

NM_005751.5(AKAP9):c.7712G>A (p.Cys2571Tyr)

Gene: AKAP9 (A-kinase anchoring protein 9; plus strand). Cytogenetic location: 7q21.2.
Variant type: single nucleotide variant.
Coding change: c.7712G>A on transcript NM_005751.5 (MANE Select); coding-DNA position 7712, G replaced by A.
Protein change: p.Cys2571Tyr; replaces cysteine 2571 with tyrosine.
Molecular consequence: missense variant.
Genome position (GRCh38, 1-based): chr7:92,079,845, G>A. VCF-style: chr7-92079845-G-A. GRCh37 (hg19) VCF-style: chr7-91709159-G-A.
Other names: c.2357G>A, p.Cys786Tyr (NM_001379277.1); c.7688G>A, p.Cys2563Tyr (NM_147185.3); short protein forms C2563Y, C786Y, C2571Y.
Identifiers: ClinVar variation 2910680 (VCV002910680.4), dbSNP rs2535246869, ClinGen allele CA368136349.
Genomic context (GRCh38, chr7:92,079,845, plus strand): 5'-TGGCTGCTGCTCTTGTCAGTCAAATCCAACTTGAGGCAGTTCAGGAATATGCAAAATTCT[G>A]TCAAGATAATCAAACAATTTCATCAGAACCTGAAAGAACAAATATTCAGAATTTAAATCA-3'
Protein context (NP_005742.4, residues 2561-2581): LEAVQEYAKF[Cys2571Tyr]QDNQTISSEP

ClinVar aggregate classification (germline): Uncertain significance. Review status: criteria provided, multiple submitters, no conflicts (2 of 4 stars). 2 submissions from 2 submitters: Uncertain significance (2). Last evaluated 2025-11-10.

Conditions:
Cardiovascular phenotype. Identifiers: MedGen CN230736.
Long QT syndrome (LQTS). Identifiers: MedGen C0023976, MeSH D008133, MONDO:0002442. Disease mechanism: loss of function. Inheritance: Various modes of inheritance.

Allele frequency attached by ClinVar (database versions not stated): gnomAD exomes below 0.00001.
gnomAD v4.1: 1 of 1,614,052 alleles (0.000062%); highest among the groups gnomAD compares: Non-Finnish European, 0.000085%; no homozygotes.

Submissions (2):

Ambry Genetics
Classification: Uncertain significance for Cardiovascular phenotype. Last evaluated: 2025-11-10. Review status: criteria provided, single submitter. Criteria: Ambry Variant Classification Scheme 2023. Collection method: clinical testing. Allele origin: germline.
Comment: The p.C2571Y variant (also known as c.7712G>A), located in coding exon 31 of the AKAP9 gene, results from a G to A substitution at nucleotide position 7712. The cysteine at codon 2571 is replaced by tyrosine, an amino acid with highly dissimilar properties. This amino acid position is conserved. In addition, this alteration is predicted to be tolerated by in silico analysis. Based on the available evidence, the clinical significance of this variant remains unclear.

Labcorp Genetics (formerly Invitae), Labcorp
Classification: Uncertain significance for Long QT syndrome. Last evaluated: 2023-05-16. Review status: criteria provided, single submitter. Criteria: Invitae Variant Classification Sherloc (09022015). Collection method: clinical testing. Allele origin: germline.
Comment: This sequence change replaces cysteine, which is neutral and slightly polar, with tyrosine, which is neutral and polar, at codon 2571 of the AKAP9 protein (p.Cys2571Tyr). This variant is not present in population databases (gnomAD no frequency). This variant has not been reported in the literature in individuals affected with AKAP9-related conditions. Algorithms developed to predict the effect of missense changes on protein structure and function output the following: SIFT: "Not Available"; PolyPhen-2: "Benign"; Align-GVGD: "Not Available". The tyrosine amino acid residue is found in multiple mammalian species, which suggests that this missense change does not adversely affect protein function. In summary, the available evidence is currently insufficient to determine the role of this variant in disease. Therefore, it has been classified as a Variant of Uncertain Significance.